The following is an entry in ClinVar:

NM_004284.6(CHD1L):c.1832G>A (p.Arg611Gln)

Gene: CHD1L (chromodomain helicase DNA binding protein 1 like; plus strand). Cytogenetic location: 1q21.1.
Variant type: single nucleotide variant.
Coding change: c.1832G>A on transcript NM_004284.6 (MANE Select); coding-DNA position 1832, G replaced by A.
Protein change: p.Arg611Gln; replaces arginine 611 with glutamine.
Molecular consequence: missense variant. On other transcripts: non-coding transcript variant (16).
Genome position (GRCh38, 1-based): chr1:147,284,477, G>A. VCF-style: chr1-147284477-G-A. GRCh37 (hg19) VCF-style: chr1-146756150-G-A.
Other names: c.1532G>A, p.Arg511Gln (NM_001256336.3); c.989G>A, p.Arg330Gln (NM_001256337.3, NM_001348456.2, NM_001348457.2 and 9 more transcripts); c.1220G>A, p.Arg407Gln (NM_001256338.3); c.1616G>A, p.Arg539Gln (NM_001348451.2, NM_001348452.2); c.1493G>A, p.Arg498Gln (NM_001348453.2, NM_024568.4); c.1376G>A, p.Arg459Gln (NM_001348454.2); c.1343G>A, p.Arg448Gln (NM_001348455.2); short protein forms R611Q, R330Q, R407Q, R448Q, R539Q, R459Q, R498Q, R511Q.
Identifiers: ClinVar variation 373203 (VCV000373203.1), dbSNP rs368838337, ClinGen allele CA1063844.

ClinVar aggregate classification (germline): Uncertain significance (1 of 4 stars; one submission).

Allele frequency attached by ClinVar (database versions not stated): gnomAD 0.00005 and 0.00013; ESP Exome Variant Server 0.00008; TOPMed 0.00006 and 0.00008.
gnomAD v4.1: 16 of 1,602,784 alleles (0.001%); highest among the groups gnomAD compares: African/African-American, 0.011%; no homozygotes.

Submission:

GeneDx
Classification: Uncertain significance. Last evaluated: 2016-11-10. Review status: criteria provided, single submitter. Criteria: GeneDx Variant Classification (06012015). Collection method: clinical testing. Allele origin: germline. Affected: yes.
Comment: The R611Q variant in the CHD1L gene has not been reported previously as a pathogenic variant, nor as a benign variant, to our knowledge. The R611Q variant was not observed at any significant frequency in approximately 6500 individuals of European and African American ancestry by the NHLBI Exome Sequencing Project. The R611Q variant is a semi-conservative amino acid substitution, which may impact secondary protein structure as these residues differ in some properties. This substitution occurs at a position that is not conserved. In silico analysis is inconsistent in its predictions as to whether or not the variant is damaging to the protein structure/function. We interpret R611Q as a variant of uncertain significance